The following is an entry in ClinVar:

NM_019842.4(KCNQ5):c.2558G>T (p.Gly853Val)

Gene: KCNQ5 (potassium voltage-gated channel subfamily Q member 5; plus strand). Cytogenetic location: 6q13.
Variant type: single nucleotide variant.
Coding change: c.2558G>T on transcript NM_019842.4 (MANE Select); coding-DNA position 2558, G replaced by T.
Protein change: p.Gly853Val; replaces glycine 853 with valine.
Molecular consequence: missense variant.
Genome position (GRCh38, 1-based): chr6:73,195,173, G>T. VCF-style: chr6-73195173-G-T. GRCh37 (hg19) VCF-style: chr6-73904896-G-T.
Other names: c.2531G>T, p.Gly844Val (NM_001160130.2); c.2588G>T, p.Gly863Val (NM_001160132.2); c.2615G>T, p.Gly872Val (NM_001160133.2); c.2228G>T, p.Gly743Val (NM_001160134.2); short protein forms G853V, G872V, G844V, G743V, G863V.
Identifiers: ClinVar variation 4740974 (VCV004740974.2).

ClinVar aggregate classification (germline): Uncertain significance. Review status: criteria provided, multiple submitters, no conflicts (2 of 4 stars). 2 submissions from 2 submitters: Uncertain significance (2). Last evaluated 2025-04-13.

Submissions (2):

Labcorp Genetics (formerly Invitae), Labcorp
Classification: Uncertain significance. Last evaluated: 2025-04-13. Review status: criteria provided, single submitter. Criteria: Invitae Variant Classification Sherloc (09022015). Collection method: clinical testing. Allele origin: germline.
Comment: This sequence change replaces glycine, which is neutral and non-polar, with valine, which is neutral and non-polar, at codon 872 of the KCNQ5 protein (p.Gly872Val). This variant is not present in population databases (gnomAD no frequency). This variant has not been reported in the literature in individuals affected with KCNQ5-related conditions. Invitae Evidence Modeling of protein sequence and biophysical properties (such as structural, functional, and spatial information, amino acid conservation, physicochemical variation, residue mobility, and thermodynamic stability) has been performed for this missense variant. However, the output from this modeling did not meet the statistical confidence thresholds required to predict the impact of this variant on KCNQ5 protein function. In summary, the available evidence is currently insufficient to determine the role of this variant in disease. Therefore, it has been classified as a Variant of Uncertain Significance.

Blueprint Genetics
Classification: Uncertain significance. Last evaluated: 2023-03-29. Review status: criteria provided, single submitter. Criteria: ACMG Guidelines, 2015. Collection method: clinical testing. Allele origin: germline.